The following is an entry in ClinVar:

NM_004859.4(CLTC):c.778_791del (p.Phe260fs)

Gene: CLTC (clathrin heavy chain; plus strand). Cytogenetic location: 17q23.1.
Variant type: Deletion.
Coding change: c.778_791del on transcript NM_004859.4 (MANE Select); coding-DNA positions 778 to 791, 14 bases deleted (TTTCCTGTTGCAAT).
Protein change: p.Phe260fs; shifts the reading frame from phenylalanine 260.
Molecular consequence: frameshift variant.
Genome position (GRCh38, 1-based): chr17:59,651,299-59,651,312, TTTCCTGTTGCAAT deleted; deleting any 14 consecutive bases within chr17:59,651,297-59,651,312 gives the same sequence; the c. name uses the placement nearest the transcript's 3' end. VCF-style (leftmost placement, unchanged base first): chr17-59651296-GATTTTCCTGTTGCA-G. GRCh37 (hg19) VCF-style: chr17-57728657-GATTTTCCTGTTGCA-G.
Other names: c.790_803del, p.Phe264fs (NM_001288653.2); short protein forms F264fs, F260fs.
Identifiers: ClinVar variation 2692697 (VCV002692697.3), dbSNP rs2509365373, ClinGen allele CA2697560383.

ClinVar aggregate classification (germline): Pathogenic (1 of 4 stars; one submission).

Submission:

Labcorp Genetics (formerly Invitae), Labcorp
Classification: Pathogenic. Last evaluated: 2023-11-02. Review status: criteria provided, single submitter. Criteria: Invitae Variant Classification Sherloc (09022015). Collection method: clinical testing. Allele origin: germline.
Comment: This sequence change creates a premature translational stop signal (p.Phe264Alafs*4) in the CLTC gene. It is expected to result in an absent or disrupted protein product. Loss-of-function variants in CLTC are known to be pathogenic (PMID: 29100083). This variant is not present in population databases (gnomAD no frequency). This variant has not been reported in the literature in individuals affected with CLTC-related conditions. For these reasons, this variant has been classified as Pathogenic.

Literature cited by the submitters: PubMed 29100083.